The following is an entry in ClinVar:

NM_024656.4(COLGALT1):c.915C>T (p.Ala305=)

Gene: COLGALT1 (collagen beta(1-O)galactosyltransferase 1; plus strand). Cytogenetic location: 19p13.11.
Variant type: single nucleotide variant.
Coding change: c.915C>T on transcript NM_024656.4 (MANE Select); coding-DNA position 915, C replaced by T.
Protein change: p.Ala305=; no amino-acid change (alanine 305 retained).
Molecular consequence: synonymous variant.
Genome position (GRCh38, 1-based): chr19:17,572,568, C>T. VCF-style: chr19-17572568-C-T. GRCh37 (hg19) VCF-style: chr19-17683377-C-T.
Identifiers: ClinVar variation 2649546 (VCV002649546.25), dbSNP rs137936254, ClinGen allele CA9297080.

ClinVar aggregate classification (germline): Likely benign. Review status: criteria provided, multiple submitters, no conflicts (2 of 4 stars). 2 submissions from 2 submitters: Likely benign (2). Last evaluated 2023-05-26.

Allele frequency attached by ClinVar (database versions not stated): TOPMed 0.00002; gnomAD 0.00003; ESP Exome Variant Server 0.00008.
gnomAD v4.1: 46 of 1,614,000 alleles (0.0029%); highest among the groups gnomAD compares: Middle Eastern, 0.016%; no homozygotes.

Submissions (2):

Blueprint Genetics
Classification: Likely benign. Last evaluated: 2023-05-26. Review status: criteria provided, single submitter. Criteria: ACMG Guidelines, 2015. Collection method: clinical testing. Allele origin: germline.

CeGaT Center for Human Genetics Tuebingen
Classification: Likely benign. Last evaluated: 2022-07-01. Review status: criteria provided, single submitter. Criteria: CeGaT Center For Human Genetics Tuebingen Variant Classification Criteria Version 2. Collection method: clinical testing. Allele origin: germline. Affected: yes. Observed: 1 variant allele.
Comment: COLGALT1: BP4, BP7